The following is an entry in ClinVar:

ClinVar aggregate classification (germline): Uncertain significance. Review status: criteria provided, multiple submitters, no conflicts (2 of 4 stars). 2 submissions from 2 submitters: Uncertain significance (2). Last evaluated 2024-04-06.

Conditions:
Gnathodiaphyseal dysplasia (GDD). Also called: GNATHODIAPHYSEAL SCLEROSIS; OSTEOGENESIS IMPERFECTA WITH UNUSUAL SKELETAL LESIONS. Identifiers: Orphanet 53697, MedGen C1833736, MONDO:0008151, OMIM 166260.
Autosomal recessive limb-girdle muscular dystrophy type 2L (LGMDR12). Also called: Limb-girdle muscular dystrophy, type 2L; MUSCULAR DYSTROPHY, LIMB-GIRDLE, AUTOSOMAL RECESSIVE 12; Limb-Girdle Muscular Dystrophy R12 Anoctamin-5-Related (LGMD-R12). Identifiers: Orphanet 206549, MedGen C1969785, MONDO:0012652, OMIM 611307.
Inborn genetic diseases. Identifiers: MedGen C0950123, MeSH D030342.

Allele frequency attached by ClinVar (database versions not stated): TOPMed below 0.00001; gnomAD 0.00001.
gnomAD v4.1: 1 of 1,614,064 alleles (0.000062%); highest among the groups gnomAD compares: Admixed American, 0.0017%; no homozygotes.

Submissions (2):

Ambry Genetics
Classification: Uncertain significance for Inborn genetic diseases. Last evaluated: 2024-04-06. Review status: criteria provided, single submitter. Criteria: Ambry Variant Classification Scheme 2023. Collection method: clinical testing. Allele origin: germline.

Labcorp Genetics (formerly Invitae), Labcorp
Classification: Uncertain significance for Autosomal recessive limb-girdle muscular dystrophy type 2L; Gnathodiaphyseal dysplasia. Last evaluated: 2023-06-15. Review status: criteria provided, single submitter. Criteria: Invitae Variant Classification Sherloc (09022015). Collection method: clinical testing. Allele origin: germline.
Comment: In summary, the available evidence is currently insufficient to determine the role of this variant in disease. Therefore, it has been classified as a Variant of Uncertain Significance. Advanced modeling of protein sequence and biophysical properties (such as structural, functional, and spatial information, amino acid conservation, physicochemical variation, residue mobility, and thermodynamic stability) has been performed at Invitae for this missense variant, however the output from this modeling did not meet the statistical confidence thresholds required to predict the impact of this variant on ANO5 protein function. This variant has not been reported in the literature in individuals affected with ANO5-related conditions. This variant is not present in population databases (gnomAD no frequency). This sequence change replaces threonine, which is neutral and polar, with serine, which is neutral and polar, at codon 719 of the ANO5 protein (p.Thr719Ser).

NM_213599.3(ANO5):c.2156C>G (p.Thr719Ser)

Gene: ANO5 (anoctamin 5; plus strand). Cytogenetic location: 11p14.3.
Variant type: single nucleotide variant.
Coding change: c.2156C>G on transcript NM_213599.3 (MANE Select); coding-DNA position 2156, C replaced by G.
Protein change: p.Thr719Ser; replaces threonine 719 with serine.
Molecular consequence: missense variant.
Genome position (GRCh38, 1-based): chr11:22,272,910, C>G. VCF-style: chr11-22272910-C-G. GRCh37 (hg19) VCF-style: chr11-22294456-C-G.
Other names: c.2153C>G, p.Thr718Ser (NM_001142649.2); c.2114C>G, p.Thr705Ser (NM_001410963.1); c.2111C>G, p.Thr704Ser (NM_001410964.1); short protein forms T705S, T704S, T719S, T718S.
Identifiers: ClinVar variation 2944625 (VCV002944625.4), dbSNP rs1854676361, ClinGen allele CA379923895.